The following is an entry in ClinVar:

NC_000009.12:g.35658039_35658040insGGTCTCAGCTTCACAGAGT

Gene: RMRP (RNA component of mitochondrial RNA processing endoribonuclease; minus strand). Cytogenetic location: 9p13.3.
Variant type: Insertion.
Genome position: GRCh38 VCF-style: chr9-35658023-C-CCTCAGCTTCACAGAGTGGT. GRCh37 (hg19) VCF-style: chr9-35658020-C-CCTCAGCTTCACAGAGTGGT.
Identifiers: ClinVar variation 2112723 (VCV002112723.4), dbSNP rs1554651451, ClinGen allele CA2580080472.

ClinVar aggregate classification (germline): Pathogenic (1 of 4 stars; one submission).

Conditions:
Anauxetic dysplasia. Identifiers: Orphanet 93347, MedGen C1846796, MONDO:0011773.

Submission:

Labcorp Genetics (formerly Invitae), Labcorp
Classification: Pathogenic for Anauxetic dysplasia. Last evaluated: 2022-03-15. Review status: criteria provided, single submitter. Criteria: Invitae Variant Classification Sherloc (09022015). Collection method: clinical testing. Allele origin: germline.
Comment: While this particular variant has not been reported in the literature, it is located in the promoter region between the TATA box and the transcription initiation site, and other insertions and duplications immediately upstream of the coding sequence have been reported in individuals affected with cartilage-hair hypoplasia-anauxetic dysplasia (CHH-AD) spectrum disorders (PMID: 16244706, 11207361, 12107819). This variant is not present in population databases (gnomAD no frequency). This variant occurs in the RMRP gene, which encodes an RNA molecule that does not result in a protein product. For these reasons, this variant has been classified as Pathogenic. Experimental studies and prediction algorithms are not available or were not evaluated, and the functional significance of this variant is currently unknown. While functional studies for this variant have not been reported, experimental analyses using patient derived cells, as well as in vitro transfection studies, have shown that promoter insertions result in silencing of RMRP transcription and reduced expression of the gene product (PMID: 11207361, 16254002).

Literature cited by the submitters: PubMed 16244706; PubMed 11207361; PubMed 12107819; PubMed 16254002.